The following is an entry in ClinVar:

ClinVar aggregate classification (germline): Uncertain significance. Review status: criteria provided, multiple submitters, no conflicts (2 of 4 stars). 2 submissions from 2 submitters: Uncertain significance (2). Last evaluated 2025-06-18.

Allele frequency attached by ClinVar (database versions not stated): ExAC 0.00001; gnomAD 0.00001; gnomAD exomes 0.00002.
gnomAD v4.1: 17 of 1,613,420 alleles (0.0011%); highest among the groups gnomAD compares: Non-Finnish European, 0.0014%; no homozygotes.

Submissions (2):

Ambry Genetics
Classification: Uncertain significance. Last evaluated: 2025-06-18. Review status: criteria provided, single submitter. Criteria: Ambry Variant Classification Scheme 2023. Collection method: clinical testing. Allele origin: germline.
Comment: The p.G29A variant (also known as c.86G>C), located in coding exon 1 of the RNF43 gene, results from a G to C substitution at nucleotide position 86. The glycine at codon 29 is replaced by alanine, an amino acid with similar properties. This amino acid position is highly conserved in available vertebrate species. In addition, the in silico prediction for this alteration is inconclusive. The evidence for this gene-disease relationship is limited; therefore, the clinical significance of this alteration is unclear.

Labcorp Genetics (formerly Invitae), Labcorp
Classification: Uncertain significance. Last evaluated: 2024-07-30. Review status: criteria provided, single submitter. Criteria: Invitae Variant Classification Sherloc (09022015). Collection method: clinical testing. Allele origin: germline.
Comment: This sequence change replaces glycine, which is neutral and non-polar, with alanine, which is neutral and non-polar, at codon 29 of the RNF43 protein (p.Gly29Ala). This variant is present in population databases (rs756880429, gnomAD 0.004%). This variant has not been reported in the literature in individuals affected with RNF43-related conditions. ClinVar contains an entry for this variant (Variation ID: 1449043). An algorithm developed to predict the effect of missense changes on protein structure and function (PolyPhen-2) suggests that this variant is likely to be disruptive. In summary, the available evidence is currently insufficient to determine the role of this variant in disease. Therefore, it has been classified as a Variant of Uncertain Significance.

NM_017763.6(RNF43):c.86G>C (p.Gly29Ala)

Gene: RNF43 (ring finger protein 43; minus strand). Cytogenetic location: 17q22.
Variant type: single nucleotide variant.
Coding change: c.86G>C on transcript NM_017763.6 (MANE Select); coding-DNA position 86, G replaced by C.
Protein change: p.Gly29Ala; replaces glycine 29 with alanine.
Molecular consequence: missense variant.
Genome position (GRCh38, 1-based): chr17:58,415,492, C>G on the plus strand (G>C on the coding strand, the complement: RNF43 is on the minus strand). VCF-style: chr17-58415492-C-G. GRCh37 (hg19) VCF-style: chr17-56492853-C-G.
Other names: c.86G>C, p.Gly29Ala (NM_001305544.3); c.86G>C (NM_017763.4); short protein forms G29A.
Identifiers: ClinVar variation 1449043 (VCV001449043.9), dbSNP rs756880429, ClinGen allele CA8673513.